The following is an entry in ClinVar:

ClinVar aggregate classification (germline): Benign/Likely benign. Review status: criteria provided, multiple submitters, no conflicts (2 of 4 stars). 3 submissions from 3 submitters: Benign (1); Likely benign (2). Last evaluated 2024-07-26.

Conditions:
Hereditary cancer-predisposing syndrome. Also called: Tumor predisposition; Hereditary neoplastic syndrome; Neoplastic Syndromes, Hereditary; Hereditary Cancer Syndrome. Identifiers: Orphanet 140162, MedGen C0027672, MeSH D009386, MONDO:0015356.
Familial adenomatous polyposis 1 (FAP1). Also called: POLYPOSIS, ADENOMATOUS INTESTINAL; FAMILIAL ADENOMATOUS POLYPOSIS 1, ATTENUATED. Identifiers: MedGen C2713442, MONDO:0021056, OMIM 175100. Disease mechanism: loss of function.

Allele frequency attached by ClinVar (database versions not stated): gnomAD exomes below 0.00001.
gnomAD v4.1: 1 of 1,614,178 alleles (0.000062%); highest among the groups gnomAD compares: African/African-American, 0.0013%; no homozygotes.

Submissions (3):

Labcorp Genetics (formerly Invitae), Labcorp
Classification: Likely benign for Familial adenomatous polyposis 1. Last evaluated: 2024-07-26. Review status: criteria provided, single submitter. Criteria: Invitae Variant Classification Sherloc (09022015). Collection method: clinical testing. Allele origin: germline.

Myriad Genetics, Inc.
Classification: Benign for Familial adenomatous polyposis 1. Last evaluated: 2024-03-18. Review status: criteria provided, single submitter. Criteria: Myriad Autosomal Dominant, Autosomal Recessive and X-Linked Classification Criteria (2023). Collection method: clinical testing. Allele origin: unknown.
Comment: This variant is considered benign. This variant is a silent/synonymous amino acid change and it is not expected to impact splicing.

Ambry Genetics
Classification: Likely benign for Hereditary cancer-predisposing syndrome. Last evaluated: 2020-03-05. Review status: criteria provided, single submitter. Criteria: Ambry Variant Classification Scheme 2023. Collection method: clinical testing. Allele origin: germline.

NM_000038.6(APC):c.3396A>G (p.Glu1132=)

Gene: APC (APC regulator of Wnt signaling pathway; plus strand). Cytogenetic location: 5q22.2.
Variant type: single nucleotide variant.
Coding change: c.3396A>G on transcript NM_000038.6 (MANE Select); coding-DNA position 3396, A replaced by G.
Protein change: p.Glu1132=; no amino-acid change (glutamic acid 1132 retained).
Molecular consequence: synonymous variant.
Genome position (GRCh38, 1-based): chr5:112,838,990, A>G. VCF-style: chr5-112838990-A-G. GRCh37 (hg19) VCF-style: chr5-112174687-A-G.
Other names: c.3396A>G, p.Glu1132= (NM_001127510.3, NM_001354895.2); c.3342A>G, p.Glu1114= (NM_001127511.3); c.3450A>G, p.Glu1150= (NM_001354896.2); c.3426A>G, p.Glu1142= (NM_001354897.2); c.3321A>G, p.Glu1107= (NM_001354898.2); c.3312A>G, p.Glu1104= (NM_001354899.2); c.3273A>G, p.Glu1091= (NM_001354900.2); c.3219A>G, p.Glu1073= (NM_001354901.2); and 5 more.
Identifiers: ClinVar variation 1605741 (VCV001605741.10), dbSNP rs1561584490, ClinGen allele CA445963786.